The following is an entry in ClinVar:

NM_000218.3(KCNQ1):c.1884C>T (p.Gly628=)

Genes: KCNQ1 (potassium voltage-gated channel subfamily Q member 1; plus strand), KCNQ1-AS1 (KCNQ1 antisense RNA 1; minus strand). Cytogenetic location: 11p15.4.
Variant type: single nucleotide variant.
Coding change: c.1884C>T on transcript NM_000218.3 (MANE Select); coding-DNA position 1884, C replaced by T.
Protein change: p.Gly628=; no amino-acid change (glycine 628 retained).
Molecular consequence: synonymous variant.
Genome position (GRCh38, 1-based): chr11:2,847,856, C>T. VCF-style: chr11-2847856-C-T. GRCh37 (hg19) VCF-style: chr11-2869086-C-T.
Other names: c.1788C>T, p.Gly596= (NM_001406836.1); c.1614C>T, p.Gly538= (NM_001406837.1); c.1344C>T, p.Gly448= (NM_001406838.1); c.396C>T, p.Gly132= (NM_001406839.1); c.1503C>T, p.Gly501= (NM_181798.2).
Identifiers: ClinVar variation 390754 (VCV000390754.17), dbSNP rs769848998, ClinGen allele CA033530.

ClinVar aggregate classification (germline): Likely benign. Review status: criteria provided, multiple submitters, no conflicts (2 of 4 stars). 6 submissions from 6 submitters: Likely benign (6). Last evaluated 2024-01-18.

Conditions:
Cardiovascular phenotype. Identifiers: MedGen CN230736.
Cardiac arrhythmia. Also called: Arrhythmia; Cardiac rhythm disease. Identifiers: MedGen C0003811, MONDO:0007263, HP:0011675.
Long QT syndrome (LQTS). Identifiers: MedGen C0023976, MeSH D008133, MONDO:0002442. Disease mechanism: loss of function. Inheritance: Various modes of inheritance.

Allele frequency attached by ClinVar (database versions not stated): gnomAD 0.00001; gnomAD exomes 0.00001 and 0.00003; ExAC 0.00004.
gnomAD v4.1: 21 of 1,573,454 alleles (0.0013%); highest among the groups gnomAD compares: South Asian, 0.015%; no homozygotes.

Submissions (6):

Blueprint Genetics
Classification: Likely benign. Last evaluated: 2024-01-18. Review status: criteria provided, single submitter. Criteria: ACMG Guidelines, 2015. Collection method: clinical testing. Allele origin: germline.

All of Us Research Program, National Institutes of Health
Classification: Likely benign for Long QT syndrome. Last evaluated: 2023-03-23. Review status: criteria provided, single submitter. Criteria: ACMG Guidelines, 2015. Collection method: clinical testing. Allele origin: germline. Inheritance: Autosomal dominant inheritance. Observed: 1 variant allele, 1 heterozygote.
Comment: This study involves interpretation of variants in research participants for the purpose of population health screening. Participant phenotype was not available at the time of variant classification. Additional details can be found in publication PMID: 35346344, PMCID: PMC8962531

Labcorp Genetics (formerly Invitae), Labcorp
Classification: Likely benign for Long QT syndrome. Last evaluated: 2023-02-22. Review status: criteria provided, single submitter. Criteria: Invitae Variant Classification Sherloc (09022015). Collection method: clinical testing. Allele origin: germline.

Color Diagnostics, LLC DBA Color Health
Classification: Likely benign for Cardiac arrhythmia. Last evaluated: 2021-01-25. Review status: criteria provided, single submitter. Criteria: ACMG Guidelines, 2015. Collection method: clinical testing. Allele origin: germline.

Ambry Genetics
Classification: Likely benign for Cardiovascular phenotype. Last evaluated: 2020-03-13. Review status: criteria provided, single submitter. Criteria: Ambry Variant Classification Scheme 2023. Collection method: clinical testing. Allele origin: germline.

GeneDx
Classification: Likely benign. Last evaluated: 2016-11-15. Review status: criteria provided, single submitter. Criteria: GeneDx Variant Classification (06012015). Collection method: clinical testing. Allele origin: germline. Affected: yes.
Comment: This variant is considered likely benign or benign based on one or more of the following criteria: it is a conservative change, it occurs at a poorly conserved position in the protein, it is predicted to be benign by multiple in silico algorithms, and/or has population frequency not consistent with disease.